The following is an entry in ClinVar:

ClinVar aggregate classification (germline): Likely benign (1 of 4 stars; one submission).

Conditions:
FZR1-related condition.

gnomAD v4.1: 23 of 1,608,248 alleles (0.0014%); highest among the groups gnomAD compares: East Asian, 0.0045%; 1 homozygote.

Submission:

PreventionGenetics, part of Exact Sciences
Classification: Likely benign for FZR1-related condition. Last evaluated: 2025-11-26. Review status: criteria provided, single submitter. Criteria: ACMG Guidelines, 2015. Collection method: clinical testing. Allele origin: germline.
Comment: This variant is classified as likely benign based on ACMG/AMP sequence variant interpretation guidelines (Richards et al. 2015 PMID: 25741868, with internal and published modifications).

NM_016263.4(FZR1):c.1254C>T (p.His418=)

Gene: FZR1 (fizzy and cell division cycle 20 related 1; plus strand). Cytogenetic location: 19p13.3.
Variant type: single nucleotide variant.
Coding change: c.1254C>T on transcript NM_016263.4 (MANE Select); coding-DNA position 1254, C replaced by T.
Protein change: p.His418=; no amino-acid change (histidine 418 retained).
Molecular consequence: synonymous variant.
Genome position (GRCh38, 1-based): chr19:3,533,305, C>T. VCF-style: chr19-3533305-C-T. GRCh37 (hg19) VCF-style: chr19-3533303-C-T.
Other names: c.987C>T, p.His329= (NM_001136197.1); c.1254C>T, p.His418= (NM_001136198.1).
Identifiers: ClinVar variation 4980018 (VCV004980018.1).